The following is an entry in ClinVar:

NM_002578.5(PAK3):c.1156A>G (p.Arg386Gly)

Gene: PAK3 (p21 (RAC1) activated kinase 3; plus strand). Cytogenetic location: Xq23.
Variant type: single nucleotide variant.
Coding change: c.1156A>G on transcript NM_002578.5 (MANE Select); coding-DNA position 1156, A replaced by G.
Protein change: p.Arg386Gly; replaces arginine 386 with glycine.
Molecular consequence: missense variant. On other transcripts: non-coding transcript variant (2).
Genome position (GRCh38, 1-based): chrX:111,195,887, A>G. VCF-style: chrX-111195887-A-G. GRCh37 (hg19) VCF-style: chrX-110439115-A-G.
Other names: c.1156A>G, p.Arg386Gly (NM_001128166.3, NM_001128167.3, NM_001324325.2 and 5 more transcripts); c.1264A>G, p.Arg422Gly (NM_001128168.3); c.1219A>G, p.Arg407Gly (NM_001128172.2); c.1201A>G, p.Arg401Gly (NM_001128173.3, NM_001324327.2, NM_001324328.2 and 2 more transcripts); short protein forms R386G, R401G, R407G, R422G.
Identifiers: ClinVar variation 4875018 (VCV004875018.2).
Genomic context (GRCh38, chrX:111,195,887, plus strand): 5'-TTTCTGATTTAATAGTGCCTGCAAGCTTTGGATTTCCTGCACTCAAACCAGGTGATCCAT[A>G]GAGATATAAAGAGTGACAATATTCTTCTCGGGATGGATGGCTCTGTTAAATTGAGTAGGT-3'
Protein context (NP_002569.1, residues 376-396): DFLHSNQVIH[Arg386Gly]DIKSDNILLG

ClinVar aggregate classification (germline): Uncertain significance (1 of 4 stars; one submission).

Submission:

CeGaT Center for Human Genetics Tuebingen
Classification: Uncertain significance. Last evaluated: 2026-05-01. Review status: criteria provided, single submitter. Criteria: CeGaT Center For Human Genetics Tuebingen Variant Classification Criteria Version 2. Collection method: clinical testing. Allele origin: germline. Affected: yes. Observed: 1 variant allele.
Comment: PAK3: PM2, PP2